The following is an entry in ClinVar:

ClinVar aggregate classification (germline): Uncertain significance (1 of 4 stars; one submission).

Conditions:
Hereditary diffuse gastric adenocarcinoma (HDGC). Also called: DIFFUSE GASTRIC AND LOBULAR BREAST CANCER SYNDROME. Identifiers: Orphanet 26106, MedGen C1708349, MONDO:0007648, OMIM 137215.

Submission:

Labcorp Genetics (formerly Invitae), Labcorp
Classification: Uncertain significance for Hereditary diffuse gastric adenocarcinoma. Last evaluated: 2024-09-04. Review status: criteria provided, single submitter. Criteria: Invitae Variant Classification Sherloc (09022015). Collection method: clinical testing. Allele origin: germline.
Comment: This sequence change replaces tryptophan, which is neutral and slightly polar, with cysteine, which is neutral and slightly polar, at codon 532 of the CDH1 protein (p.Trp532Cys). This variant is not present in population databases (gnomAD no frequency). This variant has not been reported in the literature in individuals affected with CDH1-related conditions. An algorithm developed to predict the effect of missense changes on protein structure and function (PolyPhen-2) suggests that this variant is likely to be disruptive. In summary, the available evidence is currently insufficient to determine the role of this variant in disease. Therefore, it has been classified as a Variant of Uncertain Significance.

NM_004360.5(CDH1):c.1596G>C (p.Trp532Cys)

Gene: CDH1 (cadherin 1; plus strand). Cytogenetic location: 16q22.1.
Variant type: single nucleotide variant.
Coding change: c.1596G>C on transcript NM_004360.5 (MANE Select); coding-DNA position 1596, G replaced by C.
Protein change: p.Trp532Cys; replaces tryptophan 532 with cysteine.
Molecular consequence: missense variant. On other transcripts: intron variant (1).
Genome position (GRCh38, 1-based): chr16:68,819,310, G>C. VCF-style: chr16-68819310-G-C. GRCh37 (hg19) VCF-style: chr16-68853213-G-C.
Other names: c.1413G>C, p.Trp471Cys (NM_001317184.2); c.48G>C, p.Trp16Cys (NM_001317185.2); c.-254-2691G>C (NM_001317186.2); short protein forms W16C, W532C, W471C.
Identifiers: ClinVar variation 3664469 (VCV003664469.2).